The following is an entry in ClinVar:

ClinVar aggregate classification (germline): Likely benign (1 of 4 stars; one submission).

Submission:

CeGaT Center for Human Genetics Tuebingen
Classification: Likely benign. Last evaluated: 2022-10-01. Review status: criteria provided, single submitter. Criteria: CeGaT Center For Human Genetics Tuebingen Variant Classification Criteria Version 2. Collection method: clinical testing. Allele origin: germline. Affected: yes. Observed: 1 variant allele.
Comment: LPA: BS2

NM_005577.4(LPA):c.1063_1064delinsTT (p.Pro355Phe)

Gene: LPA (lipoprotein(a); minus strand). Cytogenetic location: 6q26.
Variant type: Indel.
Coding change: c.1063_1064delinsTT on transcript NM_005577.4 (MANE Select); coding-DNA positions 1063 to 1064, CC replaced by TT.
Protein change: p.Pro355Phe; replaces proline 355 with phenylalanine.
Molecular consequence: missense variant.
Genome position (GRCh38, 1-based): chr6:160,635,134-160,635,135, GG replaced by AA on the plus strand (CC replaced by TT on the coding strand, the reverse complement: LPA is on the minus strand). VCF-style: chr6-160635134-GG-AA. GRCh37 (hg19) VCF-style: chr6-161056166-GG-AA.
Other names: short protein forms P355F.
Identifiers: ClinVar variation 2657114 (VCV002657114.24), dbSNP rs2484158343, ClinGen allele CA2695198389.